The following is an entry in ClinVar:

ClinVar aggregate classification (germline): Likely benign. Review status: criteria provided, single submitter (1 of 4 stars). 2 submissions from 2 submitters: Likely benign (1). 1 of the submissions does not count toward it. Last evaluated 2024-02-11.

Conditions:
BBS7-related disorder. Also called: BBS7-related condition.
Bardet-Biedl syndrome (BBS). Identifiers: Orphanet 110, MedGen C0752166, MONDO:0015229.

Submissions (2):

Labcorp Genetics (formerly Invitae), Labcorp
Classification: Likely benign for Bardet-Biedl syndrome. Last evaluated: 2024-02-11. Review status: criteria provided, single submitter. Criteria: Invitae Variant Classification Sherloc (09022015). Collection method: clinical testing. Allele origin: germline.

PreventionGenetics, part of Exact Sciences
Classification: Likely benign for BBS7-related condition. Last evaluated: 2019-07-30. Review status: no assertion criteria provided. Collection method: clinical testing. Allele origin: germline. Not counted in ClinVar's aggregate classification.
Comment: This variant is classified as likely benign based on ACMG/AMP sequence variant interpretation guidelines (Richards et al. 2015 PMID: 25741868, with internal and published modifications).

NM_176824.3(BBS7):c.1293C>T (p.Ser431=)

Gene: BBS7 (Bardet-Biedl syndrome 7; minus strand). Cytogenetic location: 4q27.
Variant type: single nucleotide variant.
Coding change: c.1293C>T on transcript NM_176824.3 (MANE Select); coding-DNA position 1293, C replaced by T.
Protein change: p.Ser431=; no amino-acid change (serine 431 retained).
Molecular consequence: synonymous variant.
Genome position (GRCh38, 1-based): chr4:121,843,939, G>A on the plus strand (C>T on the coding strand, the complement: BBS7 is on the minus strand). VCF-style: chr4-121843939-G-A. GRCh37 (hg19) VCF-style: chr4-122765094-G-A.
Other names: c.1293C>T, p.Ser431= (NM_018190.4).
Identifiers: ClinVar variation 3358784 (VCV003358784.3).